The following is an entry in ClinVar:

NM_001849.4(COL6A2):c.1817-33C>T

Gene: COL6A2 (collagen type VI alpha 2 chain; plus strand). Cytogenetic location: 21q22.3.
Variant type: single nucleotide variant.
Coding change: c.1817-33C>T on transcript NM_001849.4 (MANE Select); 33 bases into the intron before coding-DNA position 1817, C replaced by T.
Molecular consequence: intron variant.
Genome position (GRCh38, 1-based): chr21:46,125,432, C>T. VCF-style: chr21-46125432-C-T. GRCh37 (hg19) VCF-style: chr21-47545346-C-T.
Other names: c.1817-33C>T (NM_058175.3, NM_058174.3).
Identifiers: ClinVar variation 93924 (VCV000093924.7), dbSNP rs2276101, ClinGen allele CA147450.
Genomic context (GRCh38, chr21:46,125,432, plus strand): 5'-CAGGGCTGGGTCATCGCTGGGTCCTGCATGTGCACGTGACCCTAGGGTCTGAGGTCTCCC[C>T]GGTACCCCCCGATGACCCTGCCACCCCCCCAGACTGTGAGAAGCGCTGTGGCGCCCTGGA-3'

ClinVar aggregate classification (germline): Benign. Review status: criteria provided, multiple submitters, no conflicts (2 of 4 stars). 4 submissions from 4 submitters: Benign (4). Last evaluated 2018-06-16.

Allele frequency attached by ClinVar (database versions not stated): gnomAD exomes 0.05009 and 0.07531; ESP Exome Variant Server 0.05506; gnomAD 0.06112 and 0.06594; TOPMed 0.07310; ExAC 0.07616; 1000 Genomes Project 30x 0.13413; 1000 Genomes Project 0.13898.
gnomAD v4.1: 83,694 of 1,611,024 alleles (5.2%); highest among the groups gnomAD compares: East Asian, 40%; 5,659 homozygotes.

Submissions (4):

GeneDx
Classification: Benign. Last evaluated: 2018-06-16. Review status: criteria provided, single submitter. Criteria: GeneDx Variant Classification (06012015). Collection method: clinical testing. Allele origin: germline. Affected: yes.
Comment: This variant is considered likely benign or benign based on one or more of the following criteria: it is a conservative change, it occurs at a poorly conserved position in the protein, it is predicted to be benign by multiple in silico algorithms, and/or has population frequency not consistent with disease.

Eurofins Ntd Llc (ga)
Classification: Benign. Last evaluated: 2012-11-16. Review status: criteria provided, single submitter. Criteria: EGL Classification Definitions 2015. Collection method: clinical testing. Allele origin: germline. Observed: 7 variant alleles, 7 heterozygotes.

Breakthrough Genomics
Classification: Benign. Review status: criteria provided, single submitter. Criteria: ACMG Guidelines, 2015. Collection method: not provided. Allele origin: germline. Inheritance: Autosomal recessive inheritance. Affected: yes.

PreventionGenetics, part of Exact Sciences
Classification: Benign. Review status: criteria provided, single submitter. Criteria: ACMG Guidelines, 2015. Collection method: clinical testing. Allele origin: germline.